The following is an entry in ClinVar:

NM_004360.5(CDH1):c.49-2A>C

Gene: CDH1 (cadherin 1; plus strand). Cytogenetic location: 16q22.1.
Variant type: single nucleotide variant.
Coding change: c.49-2A>C on transcript NM_004360.5 (MANE Select); the canonical splice acceptor site of the intron before coding-DNA position 49, A replaced by C.
Molecular consequence: splice acceptor variant.
Genome position (GRCh38, 1-based): chr16:68,738,295, A>C. VCF-style: chr16-68738295-A-C. GRCh37 (hg19) VCF-style: chr16-68772198-A-C.
Other names: c.-1567-2A>C (NM_001317185.2); c.-1771-2A>C (NM_001317186.2); c.49-2A>C (NM_001317184.2).
Identifiers: ClinVar variation 1744170 (VCV001744170.4), dbSNP rs1060501226, ClinGen allele CA396451549.

ClinVar aggregate classification (germline): Pathogenic. Review status: criteria provided, multiple submitters, no conflicts (2 of 4 stars). 2 submissions from 2 submitters: Pathogenic (2). Last evaluated 2025-05-19.

Conditions:
Hereditary cancer-predisposing syndrome. Also called: Hereditary Cancer Syndrome; Neoplastic Syndromes, Hereditary; Tumor predisposition; Hereditary neoplastic syndrome. Identifiers: Orphanet 140162, MedGen C0027672, MeSH D009386, MONDO:0015356.

Submissions (2):

Ambry Genetics
Classification: Pathogenic for Hereditary cancer-predisposing syndrome. Last evaluated: 2025-05-19. Review status: criteria provided, single submitter. Criteria: Ambry Variant Classification Scheme 2023. Collection method: clinical testing. Allele origin: germline.
Comment: The c.49-2A>C intronic pathogenic mutation results from an A to C substitution two nucleotides upstream from coding exon 2 in the CDH1 gene. This mutation has been described in a family affected with hereditary diffuse gastric cancer (HDGC) as well as several other types of cancer, and was observed to segregate with disease in three family members (More H et al. Hum. Mutat. 2007; 28:203-211). In addition, another mutation at the same nucleotide position (c.49-2A>G) has been reported in two unrelated individuals with HDGC (Richards FM et al. Hum. Mol. Genet. 1999; 8:607-10; Moran CJ et al. Eur J Surg Oncol 2005; 31:259-64). In addition to the clinical information presented in the literature, alterations that disrupt the canonical splice site are expected to cause aberrant splicing, resulting in an abnormal protein or a transcript that is subject to nonsense-mediated mRNA decay. As such, this alteration is classified as pathogenic.

Clinical Genetics Laboratory, Skane University Hospital Lund
Classification: Pathogenic. Last evaluated: 2022-06-20. Review status: criteria provided, single submitter. Criteria: ACMG Guidelines, 2015. Collection method: clinical testing. Allele origin: germline. Affected: yes.

Literature cited by the submitters: PubMed 10072428 (cited by Ambry Genetics); PubMed 15780560 (cited by Ambry Genetics); PubMed 17221870 (cited by Ambry Genetics).